The following is an entry in ClinVar:

ClinVar aggregate classification (germline): Uncertain significance (1 of 4 stars; one submission).

Submission:

Women's Health and Genetics/Laboratory Corporation of America, LabCorp
Classification: Uncertain significance. Last evaluated: 2024-06-17. Review status: criteria provided, single submitter. Criteria: LabCorp Variant Classification Summary - May 2015. Collection method: clinical testing. Allele origin: germline.
Comment: Variant summary: NPC1 c.2080G>C (p.Val694Leu) results in a conservative amino acid change located in the Sterol-sensing domain (IPR000731) of the encoded protein sequence. Four of five in-silico tools predict a damaging effect of the variant on protein function. The variant was absent in 251440 control chromosomes. The available data on variant occurrences in the general population are insufficient to allow any conclusion about variant significance. c.2080G>C has been reported in the literature in a compound heterozygous individual affected with possible Niemann-Pick Disease Type C (Kubaski_2022). These data do not allow any conclusion about variant significance. To our knowledge, no experimental evidence demonstrating an impact on protein function has been reported. The following publication have been ascertained in the context of this evaluation (PMID: 35892469). No submitters have cited clinical-significance assessments for this variant to ClinVar. Based on the evidence outlined above, the variant was classified as uncertain significance.

Literature cited by the submitters: PubMed 35892469.

NM_000271.5(NPC1):c.2080G>C (p.Val694Leu)

Gene: NPC1 (NPC intracellular cholesterol transporter 1; minus strand). Cytogenetic location: 18q11.2.
Variant type: single nucleotide variant.
Coding change: c.2080G>C on transcript NM_000271.5 (MANE Select); coding-DNA position 2080, G replaced by C.
Protein change: p.Val694Leu; replaces valine 694 with leucine.
Molecular consequence: missense variant.
Genome position (GRCh38, 1-based): chr18:23,544,394, C>G on the plus strand (G>C on the coding strand, the complement: NPC1 is on the minus strand). VCF-style: chr18-23544394-C-G. GRCh37 (hg19) VCF-style: chr18-21124358-C-G.
Other names: short protein forms V694L.
Identifiers: ClinVar variation 3340020 (VCV003340020.1).